The following is an entry in ClinVar:

ClinVar aggregate classification (germline): Uncertain significance (1 of 4 stars; one submission).

gnomAD v4.1: 30 of 1,613,936 alleles (0.0019%); highest among the groups gnomAD compares: South Asian, 0.0099%; no homozygotes.

Submission:

Labcorp Genetics (formerly Invitae), Labcorp
Classification: Uncertain significance. Last evaluated: 2024-05-12. Review status: criteria provided, single submitter. Criteria: Invitae Variant Classification Sherloc (09022015). Collection method: clinical testing. Allele origin: germline.
Comment: This sequence change replaces aspartic acid, which is acidic and polar, with asparagine, which is neutral and polar, at codon 867 of the EPHA4 protein (p.Asp867Asn). This variant is present in population databases (rs745528063, gnomAD 0.02%). This variant has not been reported in the literature in individuals affected with EPHA4-related conditions. Advanced modeling of protein sequence and biophysical properties (such as structural, functional, and spatial information, amino acid conservation, physicochemical variation, residue mobility, and thermodynamic stability) performed at Invitae indicates that this missense variant is not expected to disrupt EPHA4 protein function with a negative predictive value of 80%. In summary, the available evidence is currently insufficient to determine the role of this variant in disease. Therefore, it has been classified as a Variant of Uncertain Significance.

NM_004438.5(EPHA4):c.2599G>A (p.Asp867Asn)

Gene: EPHA4 (EPH receptor A4; minus strand). Cytogenetic location: 2q36.1.
Variant type: single nucleotide variant.
Coding change: c.2599G>A on transcript NM_004438.5 (MANE Select); coding-DNA position 2599, G replaced by A.
Protein change: p.Asp867Asn; replaces aspartic acid 867 with asparagine.
Molecular consequence: missense variant.
Genome position (GRCh38, 1-based): chr2:221,430,049, C>T on the plus strand (G>A on the coding strand, the complement: EPHA4 is on the minus strand). VCF-style: chr2-221430049-C-T. GRCh37 (hg19) VCF-style: chr2-222294769-C-T.
Other names: c.2599G>A, p.Asp867Asn (NM_001304536.2, NM_001363748.2); c.2446G>A, p.Asp816Asn (NM_001304537.2); short protein forms D816N, D867N.
Identifiers: ClinVar variation 3617432 (VCV003617432.2).